The following is an entry in ClinVar:

ClinVar aggregate classification (germline): Uncertain significance (1 of 4 stars; one submission).

Submission:

Labcorp Genetics (formerly Invitae), Labcorp
Classification: Uncertain significance. Last evaluated: 2024-12-09. Review status: criteria provided, single submitter. Criteria: Invitae Variant Classification Sherloc (09022015). Collection method: clinical testing. Allele origin: germline.
Comment: This sequence change replaces threonine, which is neutral and polar, with serine, which is neutral and polar, at codon 764 of the HPS5 protein (p.Thr764Ser). This variant is not present in population databases (gnomAD no frequency). This variant has not been reported in the literature in individuals affected with HPS5-related conditions. ClinVar contains an entry for this variant (Variation ID: 1485578). An algorithm developed to predict the effect of missense changes on protein structure and function outputs the following: PolyPhen-2: "Benign". The serine amino acid residue is found in multiple mammalian species, which suggests that this missense change does not adversely affect protein function. In summary, the available evidence is currently insufficient to determine the role of this variant in disease. Therefore, it has been classified as a Variant of Uncertain Significance.

NM_181507.2(HPS5):c.2291C>G (p.Thr764Ser)

Gene: HPS5 (HPS5 biogenesis of lysosomal organelles complex 2 subunit 2; minus strand). Cytogenetic location: 11p15.1.
Variant type: single nucleotide variant.
Coding change: c.2291C>G on transcript NM_181507.2 (MANE Select); coding-DNA position 2291, C replaced by G.
Protein change: p.Thr764Ser; replaces threonine 764 with serine.
Molecular consequence: missense variant.
Genome position (GRCh38, 1-based): chr11:18,291,591, G>C on the plus strand (C>G on the coding strand, the complement: HPS5 is on the minus strand). VCF-style: chr11-18291591-G-C. GRCh37 (hg19) VCF-style: chr11-18313138-G-C.
Other names: c.1949C>G, p.Thr650Ser (NM_007216.4, NM_181508.2); short protein forms T650S, T764S.
Identifiers: ClinVar variation 1485578 (VCV001485578.8), dbSNP rs2134283301, ClinGen allele CA379489271.